The following is an entry in ClinVar:

NM_002775.5(HTRA1):c.1208G>A (p.Arg403Gln)

Gene: HTRA1 (HtrA serine peptidase 1; plus strand). Cytogenetic location: 10q26.13.
Variant type: single nucleotide variant.
Coding change: c.1208G>A on transcript NM_002775.5 (MANE Select); coding-DNA position 1208, G replaced by A.
Protein change: p.Arg403Gln; replaces arginine 403 with glutamine.
Molecular consequence: missense variant.
Genome position (GRCh38, 1-based): chr10:122,511,999, G>A. VCF-style: chr10-122511999-G-A. GRCh37 (hg19) VCF-style: chr10-124271515-G-A.
Other names: short protein forms R403Q.
Identifiers: ClinVar variation 1907912 (VCV001907912.5), dbSNP rs550675750, ClinGen allele CA5726106.

ClinVar aggregate classification (germline): Uncertain significance (1 of 4 stars; one submission).

Allele frequency attached by ClinVar (database versions not stated): gnomAD 0.00002; TOPMed 0.00002; ExAC 0.00006; 1000 Genomes Project 0.00020; 1000 Genomes Project 30x 0.00031.
gnomAD v4.1: 40 of 1,613,936 alleles (0.0025%); highest among the groups gnomAD compares: East Asian, 0.047%; no homozygotes.

Submission:

Labcorp Genetics (formerly Invitae), Labcorp
Classification: Uncertain significance. Last evaluated: 2024-04-02. Review status: criteria provided, single submitter. Criteria: Invitae Variant Classification Sherloc (09022015). Collection method: clinical testing. Allele origin: germline.
Comment: This sequence change replaces arginine, which is basic and polar, with glutamine, which is neutral and polar, at codon 403 of the HTRA1 protein (p.Arg403Gln). This variant is present in population databases (rs550675750, gnomAD 0.01%). This variant has not been reported in the literature in individuals affected with HTRA1-related conditions. ClinVar contains an entry for this variant (Variation ID: 1907912). An algorithm developed to predict the effect of missense changes on protein structure and function (PolyPhen-2) suggests that this variant is likely to be tolerated. In summary, the available evidence is currently insufficient to determine the role of this variant in disease. Therefore, it has been classified as a Variant of Uncertain Significance.